The following is an entry in ClinVar:

NM_000135.4(FANCA):c.4157T>C (p.Leu1386Pro)

Genes: FANCA (FA complementation group A; minus strand), ZNF276 (zinc finger protein 276; plus strand). Cytogenetic location: 16q24.3.
Variant type: single nucleotide variant.
Coding change: c.4157T>C on transcript NM_000135.4 (MANE Select); coding-DNA position 4157, T replaced by C.
Protein change: p.Leu1386Pro; replaces leucine 1386 with proline.
Molecular consequence: missense variant. On other transcripts: 3 prime UTR variant (2), non-coding transcript variant (4).
Genome position (GRCh38, 1-based): chr16:89,739,143, A>G on the plus strand (T>C on the coding strand, the complement: FANCA is on the minus strand). VCF-style: chr16-89739143-A-G. GRCh37 (hg19) VCF-style: chr16-89805551-A-G.
Other names: c.4157T>C, p.Leu1386Pro (NM_001286167.3); c.*897A>G (NM_001113525.2, NM_152287.4); short protein forms L1386P.
Identifiers: ClinVar variation 4254234 (VCV004254234.2).

ClinVar aggregate classification (germline): Uncertain significance. Review status: criteria provided, multiple submitters, no conflicts (2 of 4 stars). 2 submissions from 2 submitters: Uncertain significance (2). Last evaluated 2025-10-23.

Conditions:
Fanconi anemia (FA). Also called: Fanconi's anemia. Identifiers: Orphanet 84, MedGen C0015625, MeSH D005199, MONDO:0019391.
Inborn genetic diseases. Identifiers: MedGen C0950123, MeSH D030342.

Submissions (2):

Labcorp Genetics (formerly Invitae), Labcorp
Classification: Uncertain significance for Fanconi anemia. Last evaluated: 2025-10-23. Review status: criteria provided, single submitter. Criteria: Invitae Variant Classification Sherloc (09022015). Collection method: clinical testing. Allele origin: germline.
Comment: This sequence change replaces leucine, which is neutral and non-polar, with proline, which is neutral and non-polar, at codon 1386 of the FANCA protein (p.Leu1386Pro). This variant is not present in population databases (gnomAD no frequency). This variant has not been reported in the literature in individuals affected with FANCA-related conditions. ClinVar contains an entry for this variant (Variation ID: 4254234). Invitae Evidence Modeling of protein sequence and biophysical properties (such as structural, functional, and spatial information, amino acid conservation, physicochemical variation, residue mobility, and thermodynamic stability) indicates that this missense variant is not expected to disrupt FANCA protein function with a negative predictive value of 95%. In summary, the available evidence is currently insufficient to determine the role of this variant in disease. Therefore, it has been classified as a Variant of Uncertain Significance.

Ambry Genetics
Classification: Uncertain significance for Inborn genetic diseases. Last evaluated: 2025-07-28. Review status: criteria provided, single submitter. Criteria: Ambry Variant Classification Scheme 2023. Collection method: clinical testing. Allele origin: germline.
Comment: The p.L1386P variant (also known as c.4157T>C), located in coding exon 41 of the FANCA gene, results from a T to C substitution at nucleotide position 4157. The leucine at codon 1386 is replaced by proline, an amino acid with similar properties. This amino acid position is conserved. In addition, the in silico prediction for this alteration is inconclusive. Based on the available evidence, the clinical significance of this variant remains unclear.